The following is an entry in ClinVar:

ClinVar aggregate classification (germline): Uncertain significance (1 of 4 stars; one submission).

Allele frequency attached by ClinVar (database versions not stated): TOPMed below 0.00001.
gnomAD v4.1: 3 of 1,591,052 alleles (0.00019%); highest among the groups gnomAD compares: Non-Finnish European, 0.00026%; no homozygotes.

Submission:

Labcorp Genetics (formerly Invitae), Labcorp
Classification: Uncertain significance. Last evaluated: 2023-12-17. Review status: criteria provided, single submitter. Criteria: Invitae Variant Classification Sherloc (09022015). Collection method: clinical testing. Allele origin: germline.
Comment: This sequence change replaces lysine, which is basic and polar, with asparagine, which is neutral and polar, at codon 729 of the PPP1R12A protein (p.Lys729Asn). The frequency data for this variant in the population databases is considered unreliable, as metrics indicate poor data quality at this position in the gnomAD database. This variant has not been reported in the literature in individuals affected with PPP1R12A-related conditions. An algorithm developed to predict the effect of missense changes on protein structure and function (PolyPhen-2) suggests that this variant is likely to be disruptive. In summary, the available evidence is currently insufficient to determine the role of this variant in disease. Therefore, it has been classified as a Variant of Uncertain Significance.

NM_002480.3(PPP1R12A):c.2187A>T (p.Lys729Asn)

Gene: PPP1R12A (protein phosphatase 1 regulatory subunit 12A; minus strand). Cytogenetic location: 12q21.2.
Variant type: single nucleotide variant.
Coding change: c.2187A>T on transcript NM_002480.3 (MANE Select); coding-DNA position 2187, A replaced by T.
Protein change: p.Lys729Asn; replaces lysine 729 with asparagine.
Molecular consequence: missense variant.
Genome position (GRCh38, 1-based): chr12:79,797,300, T>A on the plus strand (A>T on the coding strand, the complement: PPP1R12A is on the minus strand). VCF-style: chr12-79797300-T-A. GRCh37 (hg19) VCF-style: chr12-80191080-T-A.
Other names: c.2187A>T, p.Lys729Asn (NM_001143885.2, NM_001244990.2); c.1926A>T, p.Lys642Asn (NM_001143886.2); c.2019A>T, p.Lys673Asn (NM_001244992.1); short protein forms K729N, K673N, K642N.
Identifiers: ClinVar variation 2915902 (VCV002915902.3), dbSNP rs755220839, ClinGen allele CA385845008.